The following is an entry in ClinVar:

ClinVar aggregate classification (germline): Likely pathogenic (1 of 4 stars; one submission).

Submission:

Dasa
Classification: Likely pathogenic. Last evaluated: 2025-11-06. Review status: criteria provided, single submitter. Criteria: DASA Assertion Criteria. Collection method: clinical testing. Allele origin: germline.
Comment: NM_001082971.2(DDC):c.314G>A (p.Trp105*) is a nonsense variant in DDC predicted to introduce a premature termination codon and is predicted to result in an absent or altered protein product. Loss of function is an established disease mechanism for DDC-associated disorders. Also, this variant is absent from population databases. Based on the currently available evidence, this variant is classified as likely pathogenic.

NM_001082971.2(DDC):c.314G>A (p.Trp105Ter)

Genes: DDC (dopa decarboxylase; minus strand), DDC-AS1 (DDC antisense RNA 1; plus strand). Cytogenetic location: 7p12.1.
Variant type: single nucleotide variant.
Coding change: c.314G>A on transcript NM_001082971.2 (MANE Select); coding-DNA position 314, G replaced by A.
Protein change: p.Trp105Ter; replaces tryptophan 105 with a stop codon.
Molecular consequence: nonsense. On other transcripts: intron variant (2), non-coding transcript variant (1).
Genome position (GRCh38, 1-based): chr7:50,539,916, C>T on the plus strand (G>A on the coding strand, the complement: DDC is on the minus strand). VCF-style: chr7-50539916-C-T. GRCh37 (hg19) VCF-style: chr7-50607614-C-T.
Other names: c.314G>A, p.Trp105Ter (NM_000790.4, NM_001242887.2, NM_001242889.2 and 1 more transcripts); c.201+3969G>A (NM_001242888.2); c.202-1937G>A (NM_001242886.2); short protein forms W105*.
Identifiers: ClinVar variation 4884926 (VCV004884926.2).
Genomic context (GRCh38, chr7:50,539,916, plus strand): 5'-CCCACCCCGGGATCCCACCACAGCCAGGACCCCTTCCCGAGGTGCATCCGGACCCTCACC[C>T]AGGAGAAGCCGATGCAGCCAATGGCCCCGCACAGCATGTCCGCAAGCATGGCCGGGTACG-3'